The following is an entry in ClinVar:

ClinVar aggregate classification (germline): Uncertain significance (1 of 4 stars; one submission).

Conditions:
NPC1-related disorder. Also called: NPC1-related condition.

Submission:

3billion
Classification: Uncertain significance for NPC1-related disorder. Last evaluated: 2025-12-26. Review status: criteria provided, single submitter. Criteria: ACMG Guidelines, 2015. Collection method: clinical testing. Allele origin: germline. Affected: yes.
Comment: The variant is not observed in the gnomAD v4.1.0 dataset. Predicted Consequence/Location: Missense variant In silico tool predictions suggest damaging effect of the variant on gene or gene product [REVEL: 0.96 (>=0.6, sensitivity 0.68 and specificity 0.92); 3Cnet: 0.93 (> 0.75, sensitivity 0.96 and precision 0.92)]. Therefore, this variant is classified as VUS according to the recommendation of ACMG/AMP guideline.

NM_000271.5(NPC1):c.2074T>C (p.Phe692Leu)

Gene: NPC1 (NPC intracellular cholesterol transporter 1; minus strand). Cytogenetic location: 18q11.2.
Variant type: single nucleotide variant.
Coding change: c.2074T>C on transcript NM_000271.5 (MANE Select); coding-DNA position 2074, T replaced by C.
Protein change: p.Phe692Leu; replaces phenylalanine 692 with leucine.
Molecular consequence: missense variant.
Genome position (GRCh38, 1-based): chr18:23,544,400, A>G on the plus strand (T>C on the coding strand, the complement: NPC1 is on the minus strand). VCF-style: chr18-23544400-A-G. GRCh37 (hg19) VCF-style: chr18-21124364-A-G.
Other names: short protein forms F692L.
Identifiers: ClinVar variation 4856002 (VCV004856002.1).